The following is an entry in ClinVar:

NM_001849.4(COL6A2):c.898A>G (p.Lys300Glu)

Gene: COL6A2 (collagen type VI alpha 2 chain; plus strand). Cytogenetic location: 21q22.3.
Variant type: single nucleotide variant.
Coding change: c.898A>G on transcript NM_001849.4 (MANE Select); coding-DNA position 898, A replaced by G.
Protein change: p.Lys300Glu; replaces lysine 300 with glutamic acid.
Molecular consequence: missense variant.
Genome position (GRCh38, 1-based): chr21:46,116,051, A>G. VCF-style: chr21-46116051-A-G. GRCh37 (hg19) VCF-style: chr21-47535965-A-G.
Other names: c.898A>G, p.Lys300Glu (NM_058174.3, NM_058175.3); short protein forms K300E.
Identifiers: ClinVar variation 1484432 (VCV001484432.6), dbSNP rs2123626180, ClinGen allele CA410525391.

ClinVar aggregate classification (germline): Uncertain significance (1 of 4 stars; one submission).

Conditions:
Bethlem myopathy 1A. Also called: Bethlem myopathy 1; Bethlem Muscular Dystrophy; MYOPATHY, BENIGN CONGENITAL, WITH CONTRACTURES. Identifiers: Orphanet 610, MedGen CN029274, MONDO:0024530, OMIM 158810.

Submission:

Labcorp Genetics (formerly Invitae), Labcorp
Classification: Uncertain significance for Bethlem myopathy 1A. Last evaluated: 2025-12-24. Review status: criteria provided, single submitter. Criteria: Invitae Variant Classification Sherloc (09022015). Collection method: clinical testing. Allele origin: germline.
Comment: This sequence change replaces lysine, which is basic and polar, with glutamic acid, which is acidic and polar, at codon 300 of the COL6A2 protein (p.Lys300Glu). This variant is not present in population databases (gnomAD no frequency). This variant has not been reported in the literature in individuals affected with COL6A2-related conditions. ClinVar contains an entry for this variant (Variation ID: 1484432). An algorithm developed to predict the effect of missense changes on protein structure and function (PolyPhen-2) suggests that this variant is likely to be disruptive. In summary, the available evidence is currently insufficient to determine the role of this variant in disease. Therefore, it has been classified as a Variant of Uncertain Significance.